The following is an entry in ClinVar:

ClinVar aggregate classification (germline): Likely benign (0 of 4 stars; one submission).

Conditions:
CDH13-related disorder. Also called: CDH13-related condition.

Submission:

PreventionGenetics, part of Exact Sciences
Classification: Likely benign for CDH13-related condition. Last evaluated: 2019-11-15. Review status: no assertion criteria provided. Collection method: clinical testing. Allele origin: germline.
Comment: This variant is classified as likely benign based on ACMG/AMP sequence variant interpretation guidelines (Richards et al. 2015 PMID: 25741868, with internal and published modifications).

NM_001257.5(CDH13):c.484-36483del

Gene: CDH13 (cadherin 13; plus strand). Cytogenetic location: 16q23.3.
Variant type: Deletion.
Coding change: c.484-36483del on transcript NM_001257.5 (MANE Select); 36483 bases into the intron before coding-DNA position 484, one base deleted (T; older notation c.484-36483delT).
Molecular consequence: intron variant.
Genome position (GRCh38, 1-based): chr16:83,180,862, T deleted; the last of 10 consecutive T bases (chr16:83,180,853-83,180,862); deleting any one gives the same sequence. VCF-style (leftmost placement, unchanged base first): chr16-83180852-GT-G. GRCh37 (hg19) VCF-style: chr16-83214457-GT-G.
Other names: c.625-36483del (NM_001220488.2); c.367-36483del (NM_001220489.2); c.-279-36483del (NM_001220490.2); c.484-8del (NM_001220491.2); c.*2-6del (NM_001220492.2).
Identifiers: ClinVar variation 3034360 (VCV003034360.2), dbSNP rs748562344, ClinGen allele CA8196376.